The following is an entry in ClinVar:

ClinVar aggregate classification (germline): Uncertain significance. Review status: criteria provided, multiple submitters, no conflicts (2 of 4 stars). 2 submissions from 2 submitters: Uncertain significance (2). Last evaluated 2024-01-01.

Conditions:
Inborn genetic diseases. Identifiers: MedGen C0950123, MeSH D030342.
Hepatic veno-occlusive disease-immunodeficiency syndrome. Also called: Hepatic Veno-Occlusive Disease with Immunodeficiency. Identifiers: Orphanet 79124, MedGen C1856128, MONDO:0009338, OMIM 235550. Disease mechanism: loss of function.

Allele frequency attached by ClinVar (database versions not stated): TOPMed 0.00001.
gnomAD v4.1: 9 of 1,614,126 alleles (0.00056%); highest among the groups gnomAD compares: Admixed American, 0.0017%; no homozygotes.

Submissions (2):

Labcorp Genetics (formerly Invitae), Labcorp
Classification: Uncertain significance for Hepatic veno-occlusive disease-immunodeficiency syndrome. Last evaluated: 2024-01-01. Review status: criteria provided, single submitter. Criteria: Invitae Variant Classification Sherloc (09022015). Collection method: clinical testing. Allele origin: germline.
Comment: This sequence change replaces methionine, which is neutral and non-polar, with isoleucine, which is neutral and non-polar, at codon 409 of the SP110 protein (p.Met409Ile). This variant is present in population databases (rs201972538, gnomAD 0.003%). This variant has not been reported in the literature in individuals affected with SP110-related conditions. ClinVar contains an entry for this variant (Variation ID: 850269). Algorithms developed to predict the effect of missense changes on protein structure and function output the following: SIFT: "Not Available"; PolyPhen-2: "Benign"; Align-GVGD: "Not Available". The isoleucine amino acid residue is found in multiple mammalian species, which suggests that this missense change does not adversely affect protein function. In summary, the available evidence is currently insufficient to determine the role of this variant in disease. Therefore, it has been classified as a Variant of Uncertain Significance.

Ambry Genetics
Classification: Uncertain significance for Inborn genetic diseases. Last evaluated: 2023-03-24. Review status: criteria provided, single submitter. Criteria: Ambry Variant Classification Scheme 2023. Collection method: clinical testing. Allele origin: germline.

NM_080424.4(SP110):c.1227G>A (p.Met409Ile)

Gene: SP110 (SP110 nuclear body protein; minus strand). Cytogenetic location: 2q37.1.
Variant type: single nucleotide variant.
Coding change: c.1227G>A on transcript NM_080424.4 (MANE Select); coding-DNA position 1227, G replaced by A.
Protein change: p.Met409Ile; replaces methionine 409 with isoleucine.
Molecular consequence: missense variant.
Genome position (GRCh38, 1-based): chr2:230,186,046, C>T on the plus strand (G>A on the coding strand, the complement: SP110 is on the minus strand). VCF-style: chr2-230186046-C-T. GRCh37 (hg19) VCF-style: chr2-231050762-C-T.
Other names: c.1245G>A, p.Met415Ile (NM_001185015.2, NM_001378442.1, NM_001378444.1 and 2 more transcripts); c.1227G>A, p.Met409Ile (NM_001378443.1, NM_004509.5, NM_004510.4); c.1077G>A, p.Met359Ile (NM_001378447.1); short protein forms M415I, M359I, M409I.
Identifiers: ClinVar variation 850269 (VCV000850269.9), dbSNP rs201972538, ClinGen allele CA66741601.